The following is an entry in ClinVar:

ClinVar aggregate classification (germline): Uncertain significance (1 of 4 stars; one submission).

Conditions:
Dyskeratosis congenita. Identifiers: Orphanet 1775, MedGen C0265965, MONDO:0015780.

Allele frequency attached by ClinVar (database versions not stated): gnomAD exomes below 0.00001; ExAC 0.00001; gnomAD 0.00001; TOPMed 0.00003.
gnomAD v4.1: 3 of 1,614,094 alleles (0.00019%); highest among the groups gnomAD compares: African/African-American, 0.0027%; no homozygotes.

Submission:

Labcorp Genetics (formerly Invitae), Labcorp
Classification: Uncertain significance for Dyskeratosis congenita. Last evaluated: 2023-03-10. Review status: criteria provided, single submitter. Criteria: Invitae Variant Classification Sherloc (09022015). Collection method: clinical testing. Allele origin: germline.
Comment: This sequence change replaces histidine, which is basic and polar, with leucine, which is neutral and non-polar, at codon 309 of the TINF2 protein (p.His309Leu). In summary, the available evidence is currently insufficient to determine the role of this variant in disease. Therefore, it has been classified as a Variant of Uncertain Significance. An algorithm developed to predict the effect of missense changes on protein structure and function (PolyPhen-2) suggests that this variant is likely to be tolerated. This variant has not been reported in the literature in individuals affected with TINF2-related conditions. This variant is present in population databases (rs771963817, gnomAD 0.007%).

NM_001099274.3(TINF2):c.926A>T (p.His309Leu)

Gene: TINF2 (TERF1 interacting nuclear factor 2; minus strand). Cytogenetic location: 14q12.
Variant type: single nucleotide variant.
Coding change: c.926A>T on transcript NM_001099274.3 (MANE Select); coding-DNA position 926, A replaced by T.
Protein change: p.His309Leu; replaces histidine 309 with leucine.
Molecular consequence: missense variant.
Genome position (GRCh38, 1-based): chr14:24,240,554, T>A on the plus strand (A>T on the coding strand, the complement: TINF2 is on the minus strand). VCF-style: chr14-24240554-T-A. GRCh37 (hg19) VCF-style: chr14-24709760-T-A.
Other names: c.821A>T, p.His274Leu (NM_001363668.2); c.926A>T, p.His309Leu (NM_012461.3); short protein forms H309L, H274L.
Identifiers: ClinVar variation 2979519 (VCV002979519.3), dbSNP rs771963817, ClinGen allele CA7130546.